The following is an entry in ClinVar:

ClinVar aggregate classification (germline): Uncertain significance (1 of 4 stars; one submission).

Conditions:
Pityriasis rubra pilaris (PRP). Also called: Pityriasis rubra pilaris--familial type. Identifiers: Orphanet 2897, MedGen C0032027, MONDO:0100017, OMIM 173200, MONDO:0008251.
Psoriasis 2. Identifiers: MedGen C1864497, MONDO:0011269, OMIM 602723.

Allele frequency attached by ClinVar (database versions not stated): gnomAD exomes below 0.00001; gnomAD 0.00001.
gnomAD v4.1: 6 of 1,589,860 alleles (0.00038%); highest among the groups gnomAD compares: East Asian, 0.0023%; no homozygotes.

Submission:

Labcorp Genetics (formerly Invitae), Labcorp
Classification: Uncertain significance for Pityriasis rubra pilaris; Psoriasis 2. Last evaluated: 2025-09-02. Review status: criteria provided, single submitter. Criteria: Invitae Variant Classification Sherloc (09022015). Collection method: clinical testing. Allele origin: germline.
Comment: This sequence change replaces arginine, which is basic and polar, with cysteine, which is neutral and slightly polar, at codon 27 of the CARD14 protein (p.Arg27Cys). The frequency data for this variant in the population databases is considered unreliable, as metrics indicate poor data quality at this position in the gnomAD database. This variant has not been reported in the literature in individuals affected with CARD14-related conditions. ClinVar contains an entry for this variant (Variation ID: 1005594). Invitae Evidence Modeling of protein sequence and biophysical properties (such as structural, functional, and spatial information, amino acid conservation, physicochemical variation, residue mobility, and thermodynamic stability) has been performed for this missense variant. However, the output from this modeling did not meet the statistical confidence thresholds required to predict the impact of this variant on CARD14 protein function. In summary, the available evidence is currently insufficient to determine the role of this variant in disease. Therefore, it has been classified as a Variant of Uncertain Significance.

NM_001366385.1(CARD14):c.79C>T (p.Arg27Cys)

Gene: CARD14 (caspase recruitment domain family member 14; plus strand). Cytogenetic location: 17q25.3.
Variant type: single nucleotide variant.
Coding change: c.79C>T on transcript NM_001366385.1 (MANE Select); coding-DNA position 79, C replaced by T.
Protein change: p.Arg27Cys; replaces arginine 27 with cysteine.
Molecular consequence: missense variant. On other transcripts: non-coding transcript variant (1).
Genome position (GRCh38, 1-based): chr17:80,181,517, C>T. VCF-style: chr17-80181517-C-T. GRCh37 (hg19) VCF-style: chr17-78155316-C-T.
Other names: c.79C>T, p.Arg27Cys (NM_001257970.1, NM_024110.4); short protein forms R27C.
Identifiers: ClinVar variation 1005594 (VCV001005594.9), dbSNP rs1244382718, ClinGen allele CA401352950.